The following is an entry in ClinVar:

NM_138348.6(OTULIN):c.7C>T (p.Arg3Trp)

Gene: OTULIN (OTU deubiquitinase with linear linkage specificity; plus strand). Cytogenetic location: 5p15.2.
Variant type: single nucleotide variant.
Coding change: c.7C>T on transcript NM_138348.6 (MANE Select); coding-DNA position 7, C replaced by T.
Protein change: p.Arg3Trp; replaces arginine 3 with tryptophan.
Molecular consequence: missense variant.
Genome position (GRCh38, 1-based): chr5:14,664,832, C>T. VCF-style: chr5-14664832-C-T. GRCh37 (hg19) VCF-style: chr5-14664941-C-T.
Other names: short protein forms R3W.
Identifiers: ClinVar variation 1898398 (VCV001898398.5), dbSNP rs770748271, ClinGen allele CA3208499.

ClinVar aggregate classification (germline): Uncertain significance (1 of 4 stars; one submission).

Allele frequency attached by ClinVar (database versions not stated): gnomAD exomes below 0.00001; TOPMed 0.00002.
gnomAD v4.1: 5 of 1,218,530 alleles (0.00041%); highest among the groups gnomAD compares: African/African-American, 0.0062%; no homozygotes.

Submission:

Labcorp Genetics (formerly Invitae), Labcorp
Classification: Uncertain significance. Last evaluated: 2025-06-16. Review status: criteria provided, single submitter. Criteria: Invitae Variant Classification Sherloc (09022015). Collection method: clinical testing. Allele origin: germline.
Comment: This sequence change replaces arginine, which is basic and polar, with tryptophan, which is neutral and slightly polar, at codon 3 of the OTULIN protein (p.Arg3Trp). This variant is not present in population databases (gnomAD no frequency). This variant has not been reported in the literature in individuals affected with OTULIN-related conditions. ClinVar contains an entry for this variant (Variation ID: 1898398). An algorithm developed to predict the effect of missense changes on protein structure and function (PolyPhen-2) suggests that this variant is likely to be disruptive. In summary, the available evidence is currently insufficient to determine the role of this variant in disease. Therefore, it has been classified as a Variant of Uncertain Significance.